The following is an entry in ClinVar:

ClinVar aggregate classification (germline): Uncertain significance. Review status: criteria provided, multiple submitters, no conflicts (2 of 4 stars). 2 submissions from 2 submitters: Uncertain significance (2). Last evaluated 2025-03-17.

Allele frequency attached by ClinVar (database versions not stated): ExAC 0.00001; gnomAD 0.00001; gnomAD exomes 0.00001; TOPMed 0.00001.

Submissions (2):

Labcorp Genetics (formerly Invitae), Labcorp
Classification: Uncertain significance. Last evaluated: 2025-03-17. Review status: criteria provided, single submitter. Criteria: Invitae Variant Classification Sherloc (09022015). Collection method: clinical testing. Allele origin: germline.
Comment: This sequence change replaces arginine, which is basic and polar, with glutamine, which is neutral and polar, at codon 29 of the PDE6C protein (p.Arg29Gln). This variant is present in population databases (rs781628816, gnomAD 0.003%). This variant has not been reported in the literature in individuals affected with PDE6C-related conditions. ClinVar contains an entry for this variant (Variation ID: 546648). Invitae Evidence Modeling of protein sequence and biophysical properties (such as structural, functional, and spatial information, amino acid conservation, physicochemical variation, residue mobility, and thermodynamic stability) indicates that this missense variant is not expected to disrupt PDE6C protein function with a negative predictive value of 80%. This variant disrupts the p.Arg29 amino acid residue in PDE6C. Other variant(s) that disrupt this residue have been determined to be pathogenic (PMID: 19615668, 21127010, 30080950). This suggests that this residue is clinically significant, and that variants that disrupt this residue are likely to be disease-causing. In summary, the available evidence is currently insufficient to determine the role of this variant in disease. Therefore, it has been classified as a Variant of Uncertain Significance.

CeGaT Center for Human Genetics Tuebingen
Classification: Uncertain significance. Last evaluated: 2017-11-01. Review status: criteria provided, single submitter. Criteria: CeGaT Center For Human Genetics Tuebingen Variant Classification Criteria Version 2. Collection method: clinical testing. Allele origin: germline. Affected: yes. Observed: 1 variant allele.

Literature cited by the submitters: PubMed 19615668 (cited by Labcorp Genetics (formerly Invitae), Labcorp); PubMed 21127010 (cited by Labcorp Genetics (formerly Invitae), Labcorp); PubMed 30080950 (cited by Labcorp Genetics (formerly Invitae), Labcorp).

NM_006204.4(PDE6C):c.86G>A (p.Arg29Gln)

Gene: PDE6C (phosphodiesterase 6C; plus strand). Cytogenetic location: 10q23.33.
Variant type: single nucleotide variant.
Coding change: c.86G>A on transcript NM_006204.4 (MANE Select); coding-DNA position 86, G replaced by A.
Protein change: p.Arg29Gln; replaces arginine 29 with glutamine.
Molecular consequence: missense variant.
Genome position (GRCh38, 1-based): chr10:93,612,811, G>A. VCF-style: chr10-93612811-G-A. GRCh37 (hg19) VCF-style: chr10-95372568-G-A.
Other names: short protein forms R29Q.
Identifiers: ClinVar variation 546648 (VCV000546648.48), dbSNP rs781628816, ClinGen allele CA5609758.